The following is an entry in ClinVar:

ClinVar aggregate classification (germline): Uncertain significance (1 of 4 stars; one submission).

Conditions:
Aborted sudden cardiac death. Identifiers: MedGen C4703449, HP:0031628.

Allele frequency attached by ClinVar (database versions not stated): TOPMed 0.00001.
gnomAD v4.1: 3 of 1,614,082 alleles (0.00019%); highest among the groups gnomAD compares: Admixed American, 0.0017%; no homozygotes.

Submission:

Agnes Ginges Centre for Molecular Cardiology, Centenary Institute
Classification: Uncertain significance for Aborted sudden cardiac death. Last evaluated: 2017-03-17. Review status: criteria provided, single submitter. Criteria: ACMG Guidelines, 2015. Collection method: research. Allele origin: germline. Affected: yes.
Comment: The VCL Arg520Gln is absent in the large Exome Aggregation Consortium dataset. Arginine (Arg) at position 520 is highly conserved across distantly related species, and computational prediction tools are supportive of a deleterious effect (SIFT "deleterious"; PolyPhen-2 "probably damaging"; MutationTaster "disease-causing"). Based on limited available information and rarity in the general population, we classify VCL Arg520Gln as a variant of "uncertain significance".

NM_014000.3(VCL):c.1599G>A (p.Met533Ile)

Gene: VCL (vinculin; plus strand). Cytogenetic location: 10q22.2.
Variant type: single nucleotide variant.
Coding change: c.1599G>A on transcript NM_014000.3 (MANE Select); coding-DNA position 1599, G replaced by A.
Protein change: p.Met533Ile; replaces methionine 533 with isoleucine.
Molecular consequence: missense variant.
Genome position (GRCh38, 1-based): chr10:74,095,711, G>A. VCF-style: chr10-74095711-G-A. GRCh37 (hg19) VCF-style: chr10-75855469-G-A.
Other names: c.1599G>A, p.Met533Ile (NM_003373.4); short protein forms M533I.
Identifiers: ClinVar variation 692121 (VCV000692121.1), dbSNP rs775532849, ClinGen allele CA377274412.